The following is an entry in ClinVar:

NM_000059.4(BRCA2):c.316+1022G>A

Gene: BRCA2 (BRCA2 DNA repair associated; plus strand). Cytogenetic location: 13q13.1.
Variant type: single nucleotide variant.
Coding change: c.316+1022G>A on transcript NM_000059.4 (MANE Select); 1022 bases into the intron after coding-DNA position 316, G replaced by A.
Molecular consequence: intron variant.
Genome position (GRCh38, 1-based): chr13:32,320,347, G>A. VCF-style: chr13-32320347-G-A. GRCh37 (hg19) VCF-style: chr13-32894484-G-A.
Other names: IVS 3+1022G>A.
Identifiers: ClinVar variation 209623 (VCV000209623.2), dbSNP rs11571590, ClinGen allele CA276592.

ClinVar aggregate classification (germline): Benign. Review status: reviewed by expert panel (3 of 4 stars). 2 submissions from 2 submitters: Benign (1). 1 of the submissions does not count toward it. Last evaluated 2015-01-12.

Conditions:
Breast-ovarian cancer, familial, susceptibility to, 2 (BROVCA2). Also called: BRCA2 Hereditary Breast and Ovarian Cancer. Identifiers: Orphanet 145, MedGen C2675520, MONDO:0012933, OMIM 612555. Disease mechanism: loss of function.

Allele frequency attached by ClinVar (database versions not stated): gnomAD 0.02053 and 0.02491; TOPMed 0.02087; 1000 Genomes Project 30x 0.04809; 1000 Genomes Project 0.04912.
gnomAD v4.1: 3,757 of 152,212 alleles (2.5%); highest among the groups gnomAD compares: South Asian, 12%; 98 homozygotes.

Submissions (2):

Evidence-based Network for the Interpretation of Germline Mutant Alleles (ENIGMA)
Classification: Benign for Breast-ovarian cancer, familial 2. Last evaluated: 2015-01-12. Review status: reviewed by expert panel. Criteria: ENIGMA BRCA1/2 Classification Criteria (2015). Collection method: curation. Allele origin: germline.
Comment: Class 1 not pathogenic based on frequency >1% in an outbred sampleset. Frequency 0.05769 (Asian), 0.0343 (European), derived from 1000 genomes (2012-04-30).

Breakthrough Genomics
Classification: Benign. Review status: criteria provided, single submitter. Criteria: ACMG Guidelines, 2015. Collection method: not provided. Allele origin: germline. Inheritance: Autosomal recessive inheritance. Affected: yes. Not counted in ClinVar's aggregate classification.